The following is an entry in ClinVar:

ClinVar aggregate classification (germline): Likely benign. Review status: criteria provided, single submitter (1 of 4 stars). 2 submissions from 2 submitters: Likely benign (1). 1 of the submissions does not count toward it. Last evaluated 2025-08-14.

Conditions:
Centromeric instability of chromosomes 1,9 and 16 and immunodeficiency (ICF1). Also called: Immunodeficiency-centromeric instability-facial anomalies; CENTROMERIC INSTABILITY, IMMUNODEFICIENCY SYNDROME; IMMUNE DEFICIENCY, VARIABLE, WITH CENTROMERIC INSTABILITY OF CHROMOSOMES 1, 9, AND 16; IMMUNODEFICIENCY SYNDROME, VARIABLE. Identifiers: Orphanet 2268, MedGen C0398788, MONDO:0000133.
DNMT3B-related disorder. Also called: DNMT3B-related condition.

Allele frequency attached by ClinVar (database versions not stated): gnomAD 0.00004; ESP Exome Variant Server 0.00008.
gnomAD v4.1: 14 of 1,614,000 alleles (0.00087%); highest among the groups gnomAD compares: African/African-American, 0.015%; no homozygotes.

Submissions (2):

Labcorp Genetics (formerly Invitae), Labcorp
Classification: Likely benign for Centromeric instability of chromosomes 1,9 and 16 and immunodeficiency. Last evaluated: 2025-08-14. Review status: criteria provided, single submitter. Criteria: Invitae Variant Classification Sherloc (09022015). Collection method: clinical testing. Allele origin: germline.

PreventionGenetics, part of Exact Sciences
Classification: Likely benign for DNMT3B-related condition. Last evaluated: 2020-01-31. Review status: no assertion criteria provided. Collection method: clinical testing. Allele origin: germline. Not counted in ClinVar's aggregate classification.
Comment: This variant is classified as likely benign based on ACMG/AMP sequence variant interpretation guidelines (Richards et al. 2015 PMID: 25741868, with internal and published modifications).

NM_006892.4(DNMT3B):c.1353G>A (p.Glu451=)

Gene: DNMT3B (DNA methyltransferase 3 beta; plus strand). Cytogenetic location: 20q11.21.
Variant type: single nucleotide variant.
Coding change: c.1353G>A on transcript NM_006892.4 (MANE Select); coding-DNA position 1353, G replaced by A.
Protein change: p.Glu451=; no amino-acid change (glutamic acid 451 retained).
Molecular consequence: synonymous variant.
Genome position (GRCh38, 1-based): chr20:32,796,845, G>A. VCF-style: chr20-32796845-G-A. GRCh37 (hg19) VCF-style: chr20-31384651-G-A.
Other names: c.1353G>A (NM_006892.3); c.1167G>A, p.Glu389= (NM_001207055.2); c.1065G>A, p.Glu355= (NM_001207056.2); c.1293G>A, p.Glu431= (NM_175848.2, NM_175849.2); c.1329G>A, p.Glu443= (NM_175850.3).
Identifiers: ClinVar variation 1437989 (VCV001437989.10), dbSNP rs200912653, ClinGen allele CA9810533.